The following is an entry in ClinVar:

NM_000245.4(MET):c.1226G>C (p.Cys409Ser)

Gene: MET (MET proto-oncogene, receptor tyrosine kinase; plus strand). Cytogenetic location: 7q31.2.
Variant type: single nucleotide variant.
Coding change: c.1226G>C on transcript NM_000245.4 (MANE Select); coding-DNA position 1226, G replaced by C.
Protein change: p.Cys409Ser; replaces cysteine 409 with serine.
Molecular consequence: missense variant. On other transcripts: 5 prime UTR variant (1).
Genome position (GRCh38, 1-based): chr7:116,731,693, G>C. VCF-style: chr7-116731693-G-C. GRCh37 (hg19) VCF-style: chr7-116371747-G-C.
Other names: c.1226G>C, p.Cys409Ser (NM_001127500.3, NM_001324401.3); c.-65G>C (NM_001324402.2); short protein forms C409S.
Identifiers: ClinVar variation 4746032 (VCV004746032.1).

ClinVar aggregate classification (germline): Uncertain significance (1 of 4 stars; one submission).

Conditions:
Renal cell carcinoma. Identifiers: Orphanet 217071, MedGen C0007134, MeSH D002292, MONDO:0005086, HP:0005584.

Submission:

Labcorp Genetics (formerly Invitae), Labcorp
Classification: Uncertain significance for Renal cell carcinoma. Last evaluated: 2025-02-26. Review status: criteria provided, single submitter. Criteria: Invitae Variant Classification Sherloc (09022015). Collection method: clinical testing. Allele origin: germline.
Comment: This sequence change replaces cysteine, which is neutral and slightly polar, with serine, which is neutral and polar, at codon 409 of the MET protein (p.Cys409Ser). This variant is not present in population databases (gnomAD no frequency). This variant has not been reported in the literature in individuals affected with MET-related conditions. Invitae Evidence Modeling of protein sequence and biophysical properties (such as structural, functional, and spatial information, amino acid conservation, physicochemical variation, residue mobility, and thermodynamic stability) indicates that this missense variant is not expected to disrupt MET protein function with a negative predictive value of 80%. In summary, the available evidence is currently insufficient to determine the role of this variant in disease. Therefore, it has been classified as a Variant of Uncertain Significance.